The following is an entry in ClinVar:

NM_058216.3(RAD51C):c.404+116T>C

Gene: RAD51C (RAD51 paralog C; plus strand). Cytogenetic location: 17q22.
Variant type: single nucleotide variant.
Coding change: c.404+116T>C on transcript NM_058216.3 (MANE Select); 116 bases into the intron after coding-DNA position 404, T replaced by C.
Molecular consequence: intron variant. On other transcripts: 3 prime UTR variant (1), non-coding transcript variant (1).
Genome position (GRCh38, 1-based): chr17:58,695,305, T>C. VCF-style: chr17-58695305-T-C. GRCh37 (hg19) VCF-style: chr17-56772666-T-C.
Other names: c.*112T>C (NM_002876.4).
Identifiers: ClinVar variation 4879472 (VCV004879472.1), dbSNP rs889115326.

ClinVar aggregate classification (germline): Uncertain significance (1 of 4 stars; one submission).

Conditions:
Hereditary breast ovarian cancer syndrome. Also called: Hereditary breast and ovarian cancer; Hereditary breast and ovarian cancer syndrome (HBOC); Breast and ovarian cancer; BRCA1- and BRCA2-Associated Hereditary Breast and Ovarian Cancer; Hereditary breast and/or ovarian cancer syndrome; Hereditary breast and ovarian cancer syndrome. Identifiers: Orphanet 145, MedGen C0677776, MeSH D061325, MONDO:0003582. Disease mechanism: loss of function.

Submission:

Institute for Biomarker Research, Medical Diagnostic Laboratories, L.L.C.
Classification: Uncertain significance for Hereditary breast ovarian cancer syndrome. Last evaluated: 2026-06-29. Review status: criteria provided, single submitter. Criteria: ACMG Guidelines, 2015. Collection method: clinical testing. Allele origin: germline.
Comment: The intron variant NM_058216.3(RAD51C):c.404+116T>C is not currently classified as pathogenic or benign in clinical sources. The c.404+116T>C variant is novel (not in any individuals) in gnomAD All. The c.404+116T>C variant is novel (not in any individuals) in 1kG All. The nucleotide c.404+116T>C in RAD51C is not conserved according to a GERP++ and PhyloP analysis of 100 vertebrates. For these reasons, this variant has been classified as Uncertain Significance.